The following is an entry in ClinVar:

ClinVar aggregate classification (germline): Uncertain significance (1 of 4 stars; one submission).

gnomAD v4.1: 6 of 1,613,852 alleles (0.00037%); highest among the groups gnomAD compares: South Asian, 0.0066%; no homozygotes.

Submission:

Labcorp Genetics (formerly Invitae), Labcorp
Classification: Uncertain significance. Last evaluated: 2025-10-27. Review status: criteria provided, single submitter. Criteria: Invitae Variant Classification Sherloc (09022015). Collection method: clinical testing. Allele origin: germline.
Comment: This sequence change replaces threonine, which is neutral and polar, with isoleucine, which is neutral and non-polar, at codon 2503 of the VCAN protein (p.Thr2503Ile). This variant is present in population databases (no rsID available, gnomAD 0.003%). This variant has not been reported in the literature in individuals affected with VCAN-related conditions. An algorithm developed to predict the effect of missense changes on protein structure and function (PolyPhen-2) suggests that this variant is likely to be tolerated. In summary, the available evidence is currently insufficient to determine the role of this variant in disease. Therefore, it has been classified as a Variant of Uncertain Significance.

NM_004385.5(VCAN):c.7508C>T (p.Thr2503Ile)

Genes: VCAN (versican; plus strand), VCAN-AS1 (VCAN antisense RNA 1; minus strand). Cytogenetic location: 5q14.3.
Variant type: single nucleotide variant.
Coding change: c.7508C>T on transcript NM_004385.5 (MANE Select); coding-DNA position 7508, C replaced by T.
Protein change: p.Thr2503Ile; replaces threonine 2503 with isoleucine.
Molecular consequence: missense variant. On other transcripts: intron variant (2).
Genome position (GRCh38, 1-based): chr5:83,540,511, C>T. VCF-style: chr5-83540511-C-T. GRCh37 (hg19) VCF-style: chr5-82836330-C-T.
Other names: c.4547C>T, p.Thr1516Ile (NM_001164097.2); c.4004-5026C>T (NM_001164098.2); c.1043-5026C>T (NM_001126336.3); short protein forms T1516I, T2503I.
Identifiers: ClinVar variation 4809213 (VCV004809213.1).